The following is an entry in ClinVar:

ClinVar aggregate classification (germline): Likely benign (1 of 4 stars; one submission).

Conditions:
Tuberous sclerosis 1 (TSC1). Identifiers: Orphanet 805, MedGen C1854465, MONDO:0008612, OMIM 191100.

Submission:

Myriad Genetics, Inc.
Classification: Likely benign for Tuberous sclerosis 1. Last evaluated: 2025-04-25. Review status: criteria provided, single submitter. Criteria: Myriad Autosomal Dominant, Autosomal Recessive and X-Linked Classification Criteria (2023). Collection method: clinical testing. Allele origin: unknown.
Comment: This variant is considered likely benign. This variant is intronic and is not expected to impact mRNA splicing.

NM_000368.5(TSC1):c.2503-13_2503-12dup

Gene: TSC1 (TSC complex subunit 1; minus strand). Cytogenetic location: 9q34.13.
Variant type: Duplication.
Coding change: c.2503-13_2503-12dup on transcript NM_000368.5 (MANE Select); 13 bases into the intron before coding-DNA position 2503 through 12 bases into the intron before coding-DNA position 2503, 2 bases duplicated (GT; older notation c.2503-13_2503-12dupGT).
Molecular consequence: intron variant.
Genome position (GRCh38, 1-based): chr9:132,900,849-132,900,850, AC duplicated on the plus strand (GT on the coding strand, the reverse complement: TSC1 is on the minus strand); duplicating any 2 consecutive bases within chr9:132,900,849-132,900,851 gives the same sequence; the c. name uses the placement nearest the transcript's 3' end. VCF-style (leftmost placement, unchanged base first): chr9-132900848-A-AAC. GRCh37 (hg19) VCF-style: chr9-135776235-A-AAC.
Other names: c.2137-13_2137-12dup (NM_001406620.1, NM_001406621.1, NM_001406622.1 and 1 more transcripts); c.2140-13_2140-12dup (NM_001406618.1, NM_001406617.1, NM_001406619.1 and 4 more transcripts); c.2095-13_2095-12dup (NM_001406625.1); c.2305-13_2305-12dup (NM_001406613.1); c.2347-13_2347-12dup (NM_001406612.1, NM_001406611.1); c.2350-13_2350-12dup (NM_001406610.1, NM_001162427.2); c.1549-13_1549-12dup (NM_001406627.1, NM_001406628.1); c.1450-13_1450-12dup (NM_001406629.1, NM_001406630.1); and 8 more.
Identifiers: ClinVar variation 4071097 (VCV004071097.1).
Genomic context (GRCh38, chr9:132,900,848, plus strand): 5'-TGCCTGTTCAAGAACTCCATCTGCTGCTGGACCGACTCACTGTTTGAGAGCTAACCAAAA[A>AAC]ACATGAGCAAAGTGAAAAATCCGACGACATAAAACTAGCACATAGACGTCATTAAACAGG-3'